The following is an entry in ClinVar:

ClinVar aggregate classification (germline): Uncertain significance (1 of 4 stars; one submission).

Allele frequency attached by ClinVar (database versions not stated): TOPMed 0.00001; ExAC 0.00002.
gnomAD v4.1: 22 of 1,609,780 alleles (0.0014%); highest among the groups gnomAD compares: Non-Finnish European, 0.0019%; no homozygotes.

Submission:

Labcorp Genetics (formerly Invitae), Labcorp
Classification: Uncertain significance. Last evaluated: 2023-11-01. Review status: criteria provided, single submitter. Criteria: Invitae Variant Classification Sherloc (09022015). Collection method: clinical testing. Allele origin: germline.
Comment: This sequence change replaces asparagine, which is neutral and polar, with lysine, which is basic and polar, at codon 74 of the SPPL2A protein (p.Asn74Lys). This variant is present in population databases (rs754119564, gnomAD 0.003%). This variant has not been reported in the literature in individuals affected with SPPL2A-related conditions. Algorithms developed to predict the effect of missense changes on protein structure and function output the following: SIFT: "Not Available"; PolyPhen-2: "Benign"; Align-GVGD: "Not Available". The lysine amino acid residue is found in multiple mammalian species, which suggests that this missense change does not adversely affect protein function. In summary, the available evidence is currently insufficient to determine the role of this variant in disease. Therefore, it has been classified as a Variant of Uncertain Significance.

NM_032802.4(SPPL2A):c.222C>G (p.Asn74Lys)

Gene: SPPL2A (signal peptide peptidase like 2A; minus strand). Cytogenetic location: 15q21.2.
Variant type: single nucleotide variant.
Coding change: c.222C>G on transcript NM_032802.4 (MANE Select); coding-DNA position 222, C replaced by G.
Protein change: p.Asn74Lys; replaces asparagine 74 with lysine.
Molecular consequence: missense variant.
Genome position (GRCh38, 1-based): chr15:50,748,826, G>C on the plus strand (C>G on the coding strand, the complement: SPPL2A is on the minus strand). VCF-style: chr15-50748826-G-C. GRCh37 (hg19) VCF-style: chr15-51041023-G-C.
Other names: short protein forms N74K.
Identifiers: ClinVar variation 2980043 (VCV002980043.3), dbSNP rs754119564, ClinGen allele CA7558545.
Genomic context (GRCh38, chr15:50,748,826, plus strand): 5'-GCTTCCCCATGGAACCACAACTGCTTTGCTCTTTATGCCAACAGGAGGAATATCAGAAAG[G>C]TTGCATAGTGGTGTGGAAGTCAGATTCATCAAACTAATGGAAGTCTGAAAATAAGAAATG-3'
Protein context (NP_116191.2, residues 64-84): LMNLTSTPLC[Asn74Lys]LSDIPPVGIK